The following is an entry in ClinVar:

ClinVar aggregate classification (germline): Uncertain significance (1 of 4 stars; one submission).

gnomAD v4.1: 1 of 1,614,140 alleles (0.000062%); highest among the groups gnomAD compares: Non-Finnish European, 0.000085%; no homozygotes.

Submission:

CeGaT Center for Human Genetics Tuebingen
Classification: Uncertain significance. Last evaluated: 2024-05-01. Review status: criteria provided, single submitter. Criteria: CeGaT Center For Human Genetics Tuebingen Variant Classification Criteria Version 2. Collection method: clinical testing. Allele origin: germline. Affected: yes. Observed: 1 variant allele.
Comment: SQSTM1: PM1, PM2

NM_003900.5(SQSTM1):c.265T>G (p.Tyr89Asp)

Gene: SQSTM1 (sequestosome 1; plus strand). Cytogenetic location: 5q35.3.
Variant type: single nucleotide variant.
Coding change: c.265T>G on transcript NM_003900.5 (MANE Select); coding-DNA position 265, T replaced by G.
Protein change: p.Tyr89Asp; replaces tyrosine 89 with aspartic acid.
Molecular consequence: missense variant.
Genome position (GRCh38, 1-based): chr5:179,823,017, T>G. VCF-style: chr5-179823017-T-G. GRCh37 (hg19) VCF-style: chr5-179250017-T-G.
Other names: c.13T>G, p.Tyr5Asp (NM_001142298.2, NM_001142299.2); short protein forms Y5D, Y89D.
Identifiers: ClinVar variation 3239395 (VCV003239395.19), dbSNP rs766411872.
Genomic context (GRCh38, chr5:179,823,017, plus strand): 5'-GATGAGGACGGGGACTTGGTTGCCTTTTCCAGTGACGAGGAATTGACAATGGCCATGTCC[T>G]ACGTGAAGGATGACATCTTCCGAATCTACATTAAAGGTAAGGGGCTGCTCTGGGGGCTGC-3'
Protein context (NP_003891.1, residues 79-99): SDEELTMAMS[Tyr89Asp]VKDDIFRIYI